The following is an entry in ClinVar:

NM_004820.5(CYP7B1):c.27G>A (p.Thr9=)

Genes: CYP7B1 (cytochrome P450 family 7 subfamily B member 1; minus strand), LOC130000507 (ATAC-STARR-seq lymphoblastoid silent region 19243; plus strand). Cytogenetic location: 8q12.3.
Variant type: single nucleotide variant.
Coding change: c.27G>A on transcript NM_004820.5 (MANE Select); coding-DNA position 27, G replaced by A.
Protein change: p.Thr9=; no amino-acid change (threonine 9 retained).
Molecular consequence: synonymous variant.
Genome position (GRCh38, 1-based): chr8:64,798,561, C>T on the plus strand (G>A on the coding strand, the complement: CYP7B1 is on the minus strand). VCF-style: chr8-64798561-C-T. GRCh37 (hg19) VCF-style: chr8-65711118-C-T.
Other names: c.27G>A, p.Thr9= (NM_001324112.2).
Identifiers: ClinVar variation 4991861 (VCV004991861.1).

ClinVar aggregate classification (germline): Likely benign (1 of 4 stars; one submission).

Conditions:
CYP7B1-related disorder. Also called: CYP7B1-related condition.

gnomAD v4.1: 2 of 1,491,100 alleles (0.00013%); highest among the groups gnomAD compares: East Asian, 0.0056%; no homozygotes.

Submission:

PreventionGenetics, part of Exact Sciences
Classification: Likely benign for CYP7B1-related condition. Last evaluated: 2026-05-16. Review status: criteria provided, single submitter. Criteria: ACMG Guidelines, 2015. Collection method: clinical testing. Allele origin: germline.
Comment: This variant is classified as likely benign based on ACMG/AMP sequence variant interpretation guidelines (Richards et al. 2015 PMID: 25741868, with internal and published modifications).